The following is an entry in ClinVar:

NM_002246.3(KCNK3):c.1097C>T (p.Ala366Val)

Gene: KCNK3 (potassium two pore domain channel subfamily K member 3; plus strand). Cytogenetic location: 2p23.3.
Variant type: single nucleotide variant.
Coding change: c.1097C>T on transcript NM_002246.3 (MANE Select); coding-DNA position 1097, C replaced by T.
Protein change: p.Ala366Val; replaces alanine 366 with valine.
Molecular consequence: missense variant.
Genome position (GRCh38, 1-based): chr2:26,728,480, C>T. VCF-style: chr2-26728480-C-T. GRCh37 (hg19) VCF-style: chr2-26951348-C-T.
Other names: c.1097C>T (NM_002246.2); short protein forms A366V.
Identifiers: ClinVar variation 811685 (VCV000811685.12), dbSNP rs773773071, ClinGen allele CA1565604.

ClinVar aggregate classification (germline): Conflicting classifications of pathogenicity. Review status: criteria provided, conflicting classifications (1 of 4 stars). 3 submissions from 3 submitters: Uncertain significance (2); Likely benign (1). Last evaluated 2025-02-25.

Conditions:
Inborn genetic diseases. Identifiers: MedGen C0950123, MeSH D030342.
Pulmonary hypertension, primary, 4. Identifiers: Orphanet 422, MedGen C3809198, MONDO:0014136, OMIM 615344.

Allele frequency attached by ClinVar (database versions not stated): gnomAD 0.00003; gnomAD exomes 0.00003 and 0.00002; TOPMed 0.00002; ExAC 0.00003.
gnomAD v4.1: 26 of 1,539,836 alleles (0.0017%); highest among the groups gnomAD compares: Non-Finnish European, 0.0022%; no homozygotes.

Submissions (3):

Labcorp Genetics (formerly Invitae), Labcorp
Classification: Uncertain significance for Pulmonary hypertension, primary, 4. Last evaluated: 2025-02-25. Review status: criteria provided, single submitter. Criteria: Invitae Variant Classification Sherloc (09022015). Collection method: clinical testing. Allele origin: germline.
Comment: This sequence change replaces alanine, which is neutral and non-polar, with valine, which is neutral and non-polar, at codon 366 of the KCNK3 protein (p.Ala366Val). This variant is present in population databases (rs773773071, gnomAD 0.006%). This variant has not been reported in the literature in individuals affected with KCNK3-related conditions. ClinVar contains an entry for this variant (Variation ID: 811685). An algorithm developed to predict the effect of missense changes on protein structure and function (PolyPhen-2) suggests that this variant is likely to be tolerated. In summary, the available evidence is currently insufficient to determine the role of this variant in disease. Therefore, it has been classified as a Variant of Uncertain Significance.

Ambry Genetics
Classification: Uncertain significance for Inborn genetic diseases. Last evaluated: 2024-04-29. Review status: criteria provided, single submitter. Criteria: Ambry Variant Classification Scheme 2023. Collection method: clinical testing. Allele origin: germline.

ARUP Laboratories, Molecular Genetics and Genomics, ARUP Laboratories
Classification: Likely benign for Pulmonary hypertension, primary, 4. Last evaluated: 2018-09-05. Review status: criteria provided, single submitter. Criteria: ARUP Molecular Germline Variant Investigation Process. Collection method: clinical testing. Allele origin: germline.